The following is an entry in ClinVar:

NM_002635.4(SLC25A3):c.811A>G (p.Ile271Val)

Gene: SLC25A3 (solute carrier family 25 member 3; plus strand). Cytogenetic location: 12q23.1.
Variant type: single nucleotide variant.
Coding change: c.811A>G on transcript NM_002635.4 (MANE Select); coding-DNA position 811, A replaced by G.
Protein change: p.Ile271Val; replaces isoleucine 271 with valine.
Molecular consequence: missense variant.
Genome position (GRCh38, 1-based): chr12:98,600,124, A>G. VCF-style: chr12-98600124-A-G. GRCh37 (hg19) VCF-style: chr12-98993902-A-G.
Other names: c.814A>G, p.Ile272Val (NM_005888.4); c.811A>G, p.Ile271Val (NM_213611.3); short protein forms I271V, I272V.
Identifiers: ClinVar variation 2073154 (VCV002073154.3), dbSNP rs754140239, ClinGen allele CA6733112.
Genomic context (GRCh38, chr12:98,600,124, plus strand): 5'-AAGCCCCGCAGTGAATGTTCAAAGCCAGAGCAGCTGGTTGTAACATTTGTAGCAGGTTAC[A>G]TAGGTACGAATTACTTAGAACACACTTGTCTGAAATTATGAACAAATAATCATTTCCATT-3'
Protein context (NP_002626.1, residues 261-281): QLVVTFVAGY[Ile271Val]AGVFCAIVSH

ClinVar aggregate classification (germline): Uncertain significance (1 of 4 stars; one submission).

Allele frequency attached by ClinVar (database versions not stated): TOPMed below 0.00001; ExAC 0.00001; gnomAD 0.00001.
gnomAD v4.1: 3 of 1,575,000 alleles (0.00019%); highest among the groups gnomAD compares: East Asian, 0.0022%; no homozygotes.

Submission:

Labcorp Genetics (formerly Invitae), Labcorp
Classification: Uncertain significance. Last evaluated: 2023-06-30. Review status: criteria provided, single submitter. Criteria: Invitae Variant Classification Sherloc (09022015). Collection method: clinical testing. Allele origin: germline.
Comment: In summary, the available evidence is currently insufficient to determine the role of this variant in disease. Therefore, it has been classified as a Variant of Uncertain Significance. Algorithms developed to predict the effect of sequence changes on RNA splicing suggest that this variant may create or strengthen a splice site. An algorithm developed to predict the effect of missense changes on protein structure and function (PolyPhen-2) suggests that this variant¬†is likely to be tolerated. ClinVar contains an entry for this variant (Variation ID: 2073154). This variant has not been reported in the literature in individuals affected with SLC25A3-related conditions. This variant is present in population databases (rs754140239, gnomAD 0.01%). This sequence change replaces isoleucine, which is neutral and non-polar, with valine, which is neutral and non-polar, at codon 272 of the SLC25A3 protein (p.Ile272Val).